The following is an entry in ClinVar:

ClinVar aggregate classification (germline): Conflicting classifications of pathogenicity. Review status: criteria provided, conflicting classifications (1 of 4 stars). 2 submissions from 2 submitters: Likely pathogenic (1); Uncertain significance (1). Last evaluated 2026-06-16.

Conditions:
Hereditary cancer-predisposing syndrome. Also called: Hereditary Cancer Syndrome; Hereditary neoplastic syndrome; Neoplastic Syndromes, Hereditary; Tumor predisposition. Identifiers: Orphanet 140162, MedGen C0027672, MeSH D009386, MONDO:0015356.

Submissions (2):

Ambry Genetics
Classification: Uncertain significance for Hereditary cancer-predisposing syndrome. Last evaluated: 2026-06-16. Review status: criteria provided, single submitter. Criteria: Ambry Variant Classification Scheme 2023. Collection method: clinical testing. Allele origin: germline.
Comment: The c.1227-1G>A intronic variant results from a G to A substitution one nucleotide upstream from coding exon 13 of the POLE gene. Alterations that disrupt the canonical splice site are expected to cause aberrant splicing, resulting in an abnormal protein or a transcript that is subject to nonsense-mediated mRNA decay. This nucleotide position is highly conserved in available vertebrate species. In silico splice site analysis predicts that this alteration will weaken the native splice acceptor site and will result in the creation or strengthening of a novel splice acceptor site. RNA studies have demonstrated that this variant results in abnormal splicing in the set of samples tested (Ambry internal data). Although biallelic loss of function of POLE has been associated with autosomal recessive POLE deficiency, haploinsufficiency of POLE has not been established as a mechanism of disease for POLE-related polymerase proofreading-associated polyposis (PPAP) and POLE-related CMMRD-like syndrome. Based on the supporting evidence, this variant is expected to be causative of POLE deficiency when present along with a second pathogenic variant on the other allele; however, its clinical significance for PPAP and POLE-related CMMRD-like syndrome is unclear.

Labcorp Genetics (formerly Invitae), Labcorp
Classification: Likely pathogenic. Last evaluated: 2024-02-09. Review status: criteria provided, single submitter. Criteria: Invitae Variant Classification Sherloc (09022015). Collection method: clinical testing. Allele origin: germline.
Comment: This sequence change affects an acceptor splice site in intron 12 of the POLE gene. It is expected to disrupt RNA splicing. Variants that disrupt the donor or acceptor splice site typically lead to a loss of protein function (PMID: 16199547), and loss-of-function variants in POLE are known to be pathogenic (PMID: 23230001, 25948378, 30503519). This variant is not present in population databases (gnomAD no frequency). This variant has not been reported in the literature in individuals affected with POLE-related conditions. Algorithms developed to predict the effect of sequence changes on RNA splicing suggest that this variant may disrupt the consensus splice site. In summary, the currently available evidence indicates that the variant is pathogenic, but additional data are needed to prove that conclusively. Therefore, this variant has been classified as Likely Pathogenic.

Literature cited by the submitters: PubMed 16199547 (cited by Labcorp Genetics (formerly Invitae), Labcorp); PubMed 23230001 (cited by Labcorp Genetics (formerly Invitae), Labcorp); PubMed 25948378 (cited by Labcorp Genetics (formerly Invitae), Labcorp); PubMed 30503519 (cited by Labcorp Genetics (formerly Invitae), Labcorp).

NM_006231.4(POLE):c.1227-1G>A

Gene: POLE (DNA polymerase epsilon, catalytic subunit; minus strand). Cytogenetic location: 12q24.33.
Variant type: single nucleotide variant.
Coding change: c.1227-1G>A on transcript NM_006231.4 (MANE Select); the canonical splice acceptor site of the intron before coding-DNA position 1227, G replaced by A.
Molecular consequence: splice acceptor variant.
Genome position (GRCh38, 1-based): chr12:132,673,708, C>T on the plus strand (G>A on the coding strand, the complement: POLE is on the minus strand). VCF-style: chr12-132673708-C-T. GRCh37 (hg19) VCF-style: chr12-133250294-C-T.
Other names: c.1227-1G>A (NM_006231.2).
Identifiers: ClinVar variation 2978686 (VCV002978686.4), dbSNP rs2136001004, ClinGen allele CA387359798.